The following is an entry in ClinVar:

NM_001267550.2(TTN):c.106828A>G (p.Lys35610Glu)

Genes: TTN (titin; minus strand), TTN-AS1 (TTN antisense RNA 1; plus strand). Cytogenetic location: 2q31.2.
Variant type: single nucleotide variant.
Coding change: c.106828A>G on transcript NM_001267550.2 (MANE Select); coding-DNA position 106828, A replaced by G.
Protein change: p.Lys35610Glu; replaces lysine 35610 with glutamic acid.
Molecular consequence: missense variant.
Genome position (GRCh38, 1-based): chr2:178,528,923, T>C on the plus strand (A>G on the coding strand, the complement: TTN is on the minus strand). VCF-style: chr2-178528923-T-C. GRCh37 (hg19) VCF-style: chr2-179393650-T-C.
Other names: c.106828A>G (NM_001267550.1); c.101905A>G, p.Lys33969Glu (NM_001256850.1); c.79633A>G, p.Lys26545Glu (NM_003319.4); c.99124A>G, p.Lys33042Glu (NM_133378.4); c.80008A>G, p.Lys26670Glu (NM_133432.3); c.80209A>G, p.Lys26737Glu (NM_133437.4); short protein forms K26545E, K26670E, K26737E, K33042E, K33969E, K35610E.
Identifiers: ClinVar variation 1297550 (VCV001297550.8), dbSNP rs753984036, ClinGen allele CA1985039.

ClinVar aggregate classification (germline): Uncertain significance. Review status: criteria provided, multiple submitters, no conflicts (2 of 4 stars). 5 submissions from 5 submitters: Uncertain significance (3). 2 of the submissions do not count toward it. Last evaluated 2024-06-26.

Conditions:
Autosomal recessive limb-girdle muscular dystrophy type 2J (LGMDR10). Also called: Limb-girdle muscular dystrophy, type 2J; MUSCULAR DYSTROPHY, LIMB-GIRDLE, AUTOSOMAL RECESSIVE 10. Identifiers: Orphanet 140922, MedGen C1837342, MONDO:0012127, OMIM 608807.
Hypertrophic cardiomyopathy 9. Also called: Familial hypertrophic cardiomyopathy 9. Identifiers: MedGen C1861065, MONDO:0013412, OMIM 613765.
Early-onset myopathy with fatal cardiomyopathy (CMYO5). Also called: CONGENITAL MYOPATHY 5 WITH CARDIOMYOPATHY; Salih Myopathy. Identifiers: Orphanet 289377, MedGen C2673677, MONDO:0012714, OMIM 611705. Disease mechanism: loss of function.
Dilated cardiomyopathy 1G (CMD1G). Identifiers: Orphanet 154, MedGen C1858763, MONDO:0011400, OMIM 604145.
Myopathy, myofibrillar, 9, with early respiratory failure (MFM9). Also called: Hereditary myopathy with early respiratory failure; EDSTROM MYOPATHY; MYOPATHY, PROXIMAL, WITH EARLY RESPIRATORY MUSCLE INVOLVEMENT; Myopathy, distal, with early respiratory failure, autosomal dominant. Identifiers: Orphanet 178464, Orphanet 34521, MedGen C1863599, MONDO:0011362, OMIM 603689.
Tibial muscular dystrophy (TMD). Also called: Udd Distal Myopathy – Tibial Muscular Dystrophy; UDD MYOPATHY; Tibial muscular dystrophy, tardive. Identifiers: Orphanet 609, MedGen C1838244, MONDO:0010870, OMIM 600334.

Allele frequency attached by ClinVar (database versions not stated): ExAC 0.00001; gnomAD exomes 0.00001 and 0.00004; gnomAD 0.00002; TOPMed 0.00002.
gnomAD v4.1: 57 of 1,613,926 alleles (0.0035%); highest among the groups gnomAD compares: Non-Finnish European, 0.0047%; no homozygotes.

Submissions (5):

GeneDx
Classification: Uncertain significance. Last evaluated: 2024-06-26. Review status: criteria provided, single submitter. Criteria: GeneDx Variant Classification Process June 2021. Collection method: clinical testing. Allele origin: germline. Affected: yes.
Comment: Not observed at significant frequency in large population cohorts (gnomAD); Missense variant in a gene in which most reported pathogenic variants are truncating/loss of function; Has not been previously published as pathogenic or benign to our knowledge

Fulgent Genetics
Classification: Uncertain significance for Tibial muscular dystrophy; Myopathy, myofibrillar, 9, with early respiratory failure; Dilated cardiomyopathy 1G; Autosomal recessive limb-girdle muscular dystrophy type 2J; Early-onset myopathy with fatal cardiomyopathy; Hypertrophic cardiomyopathy 9. Last evaluated: 2022-04-12. Review status: criteria provided, single submitter. Criteria: ACMG Guidelines, 2015. Collection method: clinical testing. Allele origin: unknown.

Revvity Omics, Revvity
Classification: Uncertain significance. Last evaluated: 2019-10-17. Review status: criteria provided, single submitter. Criteria: ACMG Guidelines, 2015. Collection method: clinical testing. Allele origin: germline.

Clinical Genetics DNA and cytogenetics Diagnostics Lab, Erasmus MC, Erasmus Medical Center
Classification: Uncertain significance. Review status: no assertion criteria provided. Collection method: clinical testing. Allele origin: germline. Affected: yes. Study: VKGL Data-share Consensus. Not counted in ClinVar's aggregate classification.

Joint Genome Diagnostic Labs from Nijmegen and Maastricht, Radboudumc and MUMC+
Classification: Uncertain significance. Review status: no assertion criteria provided. Collection method: clinical testing. Allele origin: germline. Affected: yes. Study: VKGL Data-share Consensus. Not counted in ClinVar's aggregate classification.